The following is an entry in ClinVar:

NM_003560.4(PLA2G6):c.710G>C (p.Arg237Pro)

Gene: PLA2G6 (phospholipase A2 group VI; minus strand). Cytogenetic location: 22q13.1.
Variant type: single nucleotide variant.
Coding change: c.710G>C on transcript NM_003560.4 (MANE Select); coding-DNA position 710, G replaced by C.
Protein change: p.Arg237Pro; replaces arginine 237 with proline.
Molecular consequence: missense variant. On other transcripts: intron variant (1).
Genome position (GRCh38, 1-based): chr22:38,140,069, C>G on the plus strand (G>C on the coding strand, the complement: PLA2G6 is on the minus strand). VCF-style: chr22-38140069-C-G. GRCh37 (hg19) VCF-style: chr22-38536076-C-G.
Other names: c.710G>C, p.Arg237Pro (NM_001004426.3, NM_001199562.3, NM_001349864.2 and 2 more transcripts); c.176G>C, p.Arg59Pro (NM_001349867.2, NM_001349869.2); c.119+3036G>C (NM_001349868.2); short protein forms R237P, R59P.
Identifiers: ClinVar variation 3377314 (VCV003377314.1).
Genomic context (GRCh38, chr22:38,140,069, plus strand): 5'-TGGATGGGGTAGCCGTTGGGGCCCATGATGTTGCACCGAGCATTGCACAGCAGCAGCACG[C>G]GGACCATCTCCTGCTTCCCCAGCTGGCAGGCCAGGTGCAGCGGGGTCAGCCCTTGGTTAT-3'
Protein context (NP_003551.2, residues 227-247): ACQLGKQEMV[Arg237Pro]VLLLCNARCN

ClinVar aggregate classification (germline): Uncertain significance (1 of 4 stars; one submission).

Conditions:
Infantile neuroaxonal dystrophy (NBIA2A). Also called: NEURODEGENERATION WITH BRAIN IRON ACCUMULATION 2A; SEITELBERGER DISEASE; Infantile neuroaxonal dystrophy 1. Identifiers: Orphanet 35069, MedGen C0270724, MONDO:0024457, OMIM 256600.

Submission:

Victorian Clinical Genetics Services, Murdoch Childrens Research Institute
Classification: Uncertain significance for Infantile neuroaxonal dystrophy. Last evaluated: 2024-10-08. Review status: criteria provided, single submitter. Criteria: ACMG Guidelines, 2015. Collection method: clinical testing. Allele origin: germline. Inheritance: Autosomal recessive inheritance. Affected: yes.
Comment: Based on the classification scheme VCGS_Germline_v1.3.4, this variant is classified as VUS-3B. Following criteria are met: 0103 - Loss of function and gain of function are known mechanisms of disease in this gene and are associated with infantile neuroaxonal dystrophy 1 (INAD; MIM#256600), neurodegeneration with brain iron accumulation 2B (NBIA; MIM#610217) and Parkinson disease 14 (MIM#612953). Variants with a loss of function effect result in INAD and NBIA, while missense variants resulting in increased enzyme activity cause Parkinson disease (PMID: 20886109, PMID: 29108286). (I) 0106 - This gene is associated with autosomal recessive disease. (I) 0200 - Variant is predicted to result in a missense amino acid change from arginine to proline. (I) 0252 - This variant is homozygous. (I) 0301 - Variant is absent from gnomAD (both v2 and v3). (SP) 0309 - Multiple alternative amino acid changes at the same position have been observed in gnomAD (v2) (highest allele count: 42 heterozygotes, 0 homozygotes). (I) 0502 - Missense variant with conflicting in silico predictions and uninformative conservation. (I) 0600 - Variant is located in the annotated ANK repeat domain (DECIPHER). (I) 0705 - No comparable missense variants have previous evidence for pathogenicity. (I) 0807 - This variant has no previous evidence of pathogenicity. (I) 0905 - No published segregation evidence has been identified for this variant. (I) 1007 - No published functional evidence has been identified for this variant. (I) Legend: (SP) - Supporting pathogenic, (I) - Information, (SB) - Supporting benign

Literature cited by the submitters: PubMed 20886109; PubMed 29108286.